The following is an entry in ClinVar:

NM_015340.4(LARS2):c.2326G>A (p.Glu776Lys)

Gene: LARS2 (leucyl-tRNA synthetase 2, mitochondrial; plus strand). Cytogenetic location: 3p21.31.
Variant type: single nucleotide variant.
Coding change: c.2326G>A on transcript NM_015340.4 (MANE Select); coding-DNA position 2326, G replaced by A.
Protein change: p.Glu776Lys; replaces glutamic acid 776 with lysine.
Molecular consequence: missense variant.
Genome position (GRCh38, 1-based): chr3:45,524,030, G>A. VCF-style: chr3-45524030-G-A. GRCh37 (hg19) VCF-style: chr3-45565522-G-A.
Other names: c.2326G>A, p.Glu776Lys (NM_001368263.1); short protein forms E776K.
Identifiers: ClinVar variation 2466512 (VCV002466512.4), dbSNP rs745310514, ClinGen allele CA2349862.

ClinVar aggregate classification (germline): Uncertain significance. Review status: criteria provided, multiple submitters, no conflicts (2 of 4 stars). 3 submissions from 3 submitters: Uncertain significance (3). Last evaluated 2026-01-22.

Conditions:
LARS2-related disorder. Also called: LARS2-related condition.
Inborn genetic diseases. Identifiers: MedGen C0950123, MeSH D030342.

Allele frequency attached by ClinVar (database versions not stated): gnomAD exomes 0.00001; ExAC 0.00002; gnomAD 0.00002; TOPMed 0.00003.
gnomAD v4.1: 11 of 1,613,724 alleles (0.00068%); highest among the groups gnomAD compares: Admixed American, 0.015%; no homozygotes.

Submissions (3):

PreventionGenetics, part of Exact Sciences
Classification: Uncertain significance for LARS2-related condition. Last evaluated: 2026-01-22. Review status: criteria provided, single submitter. Criteria: ACMG Guidelines, 2015. Collection method: clinical testing. Allele origin: germline.
Comment: The LARS2 c.2326G>A variant is predicted to result in the amino acid substitution p.Glu776Lys. To our knowledge, this variant has not been reported in the literature. This variant is reported in 0.017% of alleles in individuals of Latino descent in gnomAD. At this time, the clinical significance of this variant is uncertain due to the absence of conclusive functional and genetic evidence.

GeneDx
Classification: Uncertain significance. Last evaluated: 2023-12-14. Review status: criteria provided, single submitter. Criteria: GeneDx Variant Classification Process June 2021. Collection method: clinical testing. Allele origin: germline. Affected: yes.
Comment: In silico analysis supports that this missense variant does not alter protein structure/function; Has not been previously published as pathogenic or benign to our knowledge

Ambry Genetics
Classification: Uncertain significance for Inborn genetic diseases. Last evaluated: 2023-02-15. Review status: criteria provided, single submitter. Criteria: Ambry Variant Classification Scheme 2023. Collection method: clinical testing. Allele origin: germline.